The following is an entry in ClinVar:

ClinVar aggregate classification (germline): Likely pathogenic (0 of 4 stars; one submission).

Conditions:
Cohen syndrome (COH1). Also called: PEPPER SYNDROME; Cutis verticis gyrata, retinitis pigmentosa, and sensorineural deafness. Identifiers: Orphanet 193, MedGen C0265223, MONDO:0008999, OMIM 216550.

Submission:

Juha Muilu Group; Institute for Molecular Medicine Finland (FIMM)
Classification: Likely pathogenic for Cohen syndrome. Review status: no assertion criteria provided. Collection method: not provided. Allele origin: unknown.
Comment: FinDis database variant: This variant was not found or characterized by our laboratory, data were collected from public sources: see reference
ClinVar note: Converted during submission from probable-pathogenic to Likely pathogenic.

NM_152564.5(VPS13B):c.7861del (p.Gln2621fs)

Gene: VPS13B (vacuolar protein sorting 13 homolog B; plus strand). Cytogenetic location: 8q22.2.
Variant type: Deletion.
Coding change: c.7861del on transcript NM_152564.5 (MANE Select); coding-DNA position 7861, one base deleted (C; older notation c.7861delC).
Protein change: p.Gln2621fs; shifts the reading frame from glutamine 2621.
Molecular consequence: frameshift variant.
Genome position (GRCh38, 1-based): chr8:99,784,396, C deleted; the last of 2 consecutive C bases (chr8:99,784,395-99,784,396); deleting either gives the same sequence. VCF-style (leftmost placement, unchanged base first): chr8-99784394-GC-G. GRCh37 (hg19) VCF-style: chr8-100796622-GC-G.
Other names: c.7936delC (NM_017890.4); c.7936del, p.Gln2646fs (NM_017890.5); short protein forms Q2621fs, Q2646fs.
Identifiers: ClinVar variation 56690 (VCV000056690.2), dbSNP rs386834109, ClinGen allele CA264131.
Genomic context (GRCh38, chr8:99,784,394, plus strand): 5'-AGGAGTTGGTCTTCAGCCATTTTGTGATCTGTAATGACACACAGGAGACACTGCGGTTTG[GC>G]CAGGTGGATACTGATGAAAATATTCTGCTGGCGAGTCTCCACAGTCACCAGTACAGCTGG-3'